The following is an entry in ClinVar:

NM_000277.3(PAH):c.1237C>T (p.Arg413Cys)

Gene: PAH (phenylalanine hydroxylase; minus strand). Cytogenetic location: 12q23.2.
Variant type: single nucleotide variant.
Coding change: c.1237C>T on transcript NM_000277.3 (MANE Select); coding-DNA position 1237, C replaced by T.
Protein change: p.Arg413Cys; replaces arginine 413 with cysteine.
Molecular consequence: missense variant.
Genome position (GRCh38, 1-based): chr12:102,840,478, G>A on the plus strand (C>T on the coding strand, the complement: PAH is on the minus strand). VCF-style: chr12-102840478-G-A. GRCh37 (hg19) VCF-style: chr12-103234256-G-A.
Other names: c.1237C>T, p.Arg413Cys (NM_001354304.2); c.1237C>T (NM_000277.2); short protein forms R413C.
Identifiers: ClinVar variation 102576 (VCV000102576.13), dbSNP rs62644467, ClinGen allele CA229412.

ClinVar aggregate classification (germline): Uncertain significance. Review status: reviewed by expert panel (3 of 4 stars). 7 submissions from 7 submitters: Uncertain significance (1). 6 of the submissions do not count toward it. Last evaluated 2020-05-14.

Conditions:
PAH-related disorder. Also called: PAH-related condition.
Phenylketonuria (PKU). Also called: Phenylketonuria (PKU); FOLLING DISEASE; OLIGOPHRENIA PHENYLPYRUVICA; Phenylketonurias. Identifiers: Orphanet 716, MedGen C0031485, MONDO:0009861, OMIM 261600. Disease mechanism: loss of function.

Allele frequency attached by ClinVar (database versions not stated): gnomAD exomes 0.00003 and 0.00002; gnomAD 0.00004; ExAC 0.00003; TOPMed 0.00005.
gnomAD v4.1: 43 of 1,613,832 alleles (0.0027%); highest among the groups gnomAD compares: Admixed American, 0.0067%; no homozygotes.

Submissions (7):

ClinGen PAH Variant Curation Expert Panel
Classification: Uncertain significance for Phenylketonuria. Last evaluated: 2020-05-14. Review status: reviewed by expert panel. Criteria: ClinGen PAH ACMG Specifications v1. Collection method: curation. Allele origin: germline. Inheritance: Autosomal recessive inheritance.
Comment: The variant c.1237C>T (p.Arg313Cys) in PAH is not currently reported in patients in the literature. This variant is predicted deleterious by SIFT, PolyPhen2, MutationTaster, and REVEL = 0.937 (PP3), and has an extremely low frequency in gnomAD (PM2). This variant is at the same codon as c.1238G>C (p.Arg413Pro) which has been curated as pathogenic by the ClinGen PAH VCEP (ClinVarID:592) (PM5). In summary, this variant meets criteria to be classified as uncertain significance for PAH. PAH-specific ACMG/AMP criteria applied: PM2, PM5, PP3.

Labcorp Genetics (formerly Invitae), Labcorp
Classification: Likely pathogenic for Phenylketonuria. Last evaluated: 2025-12-16. Review status: criteria provided, single submitter. Criteria: Invitae Variant Classification Sherloc (09022015). Collection method: clinical testing. Allele origin: germline. Not counted in ClinVar's aggregate classification.
Comment: This sequence change replaces arginine, which is basic and polar, with cysteine, which is neutral and slightly polar, at codon 413 of the PAH protein (p.Arg413Cys). This variant is present in population databases (rs62644467, gnomAD 0.006%). This missense change has been observed in individual(s) with clinical features of hyperphenylalaninemia (PMID: 32668217; internal data). ClinVar contains an entry for this variant (Variation ID: 102576). Invitae Evidence Modeling of protein sequence and biophysical properties (such as structural, functional, and spatial information, amino acid conservation, physicochemical variation, residue mobility, and thermodynamic stability) indicates that this missense variant is not expected to disrupt PAH protein function with a negative predictive value of 80%. This variant disrupts the p.Arg413 amino acid residue in PAH. Other variant(s) that disrupt this residue have been determined to be pathogenic (PMID: 17935162, 21953985, 24401910, 27264808). This suggests that this residue is clinically significant, and that variants that disrupt this residue are likely to be disease-causing. In summary, the currently available evidence indicates that the variant is pathogenic, but additional data are needed to prove that conclusively. Therefore, this variant has been classified as Likely Pathogenic.

Natera, Inc.
Classification: Likely pathogenic for Phenylketonuria. Last evaluated: 2025-08-25. Review status: criteria provided, single submitter. Criteria: Natera Variant Classification Schema (03/2026). Collection method: clinical testing. Allele origin: germline. Not counted in ClinVar's aggregate classification.
Comment: The c.1237C>T variant in PAH is a missense variant predicted to cause substitution of arginine to cysteine at amino acid 413. This variant is rare in the general population with a frequency below the threshold expected for the associated phenotype(s). This variant has been observed in one or more individuals affected with the associated recessive disease, as either homozygous or compound heterozygous with a second variant (PMID: 32668217). A different variant at the same position has been determined to be Pathogenic or Likely Pathogenic. Computational prediction algorithms indicate this variant is likely to affect gene or protein function. Given the available evidence, this variant is classified as Likely Pathogenic.

Myriad Genetics, Inc.
Classification: Likely pathogenic for Phenylketonuria. Last evaluated: 2025-08-22. Review status: criteria provided, single submitter. Criteria: Myriad Autosomal Dominant, Autosomal Recessive and X-Linked Classification Criteria (2023). Collection method: clinical testing. Allele origin: unknown. Not counted in ClinVar's aggregate classification.
Comment: NM_000277.1(PAH):c.1237C>T(R413C) is a missense variant classified as likely pathogenic in the context of phenylalanine hydroxylase deficiency. R413C has been observed in cases with relevant disease (PMID: 32668217, 33803550, Akal_2019_(Article)). Relevant functional assessments of this variant are not available in the literature. Internal structural analysis of the variant is supportive of pathogenicity. R413C has been observed in referenced population frequency databases. In summary, NM_000277.1(PAH):c.1237C>T(R413C) is a missense variant that has internal structural support for pathogenicity and has been observed more frequently in cases with the relevant disease than in healthy populations. Please note: this variant was assessed in the context of healthy population screening.

Blueprint Genetics
Classification: Uncertain significance. Last evaluated: 2024-08-29. Review status: criteria provided, single submitter. Criteria: ACMG Guidelines, 2015. Collection method: clinical testing. Allele origin: germline. Not counted in ClinVar's aggregate classification.

PreventionGenetics, part of Exact Sciences
Classification: Uncertain significance for PAH-related condition. Last evaluated: 2023-03-20. Review status: criteria provided, single submitter. Criteria: ACMG Guidelines, 2015. Collection method: clinical testing. Allele origin: germline. Not counted in ClinVar's aggregate classification.
Comment: The PAH c.1237C>T variant is predicted to result in the amino acid substitution p.Arg413Cys. This variant has been reported in association with phenylketonuria (PKU) and hyperphenylalaninemia (HPA) (Zurflüh et al. 2008. PubMed ID: 17935162; Table S2, Hillert et al. 2020. PubMed ID: 32668217). Another variant impacting this same amino acid has been reported in association with classical PKU and hyperphenylalaninemia (HPA) [c.1238C>G (p.Arg413Pro); Zurflüh et al. 2008. PubMed ID: 17935162; Liang et al. 2014. PubMed ID: 24401910] and computation studies analyzing protein function determine that variant likely impacts protein function (Zurflüh et al. 2008. PubMed ID: 17935162; Shi et al. 2011. PubMed ID: 21953985). The c.1237C>T (p.Arg413Cys) variant is reported in 0.0065% of alleles in individuals of South Asian descent in gnomAD and is interpreted as uncertain in ClinVar by a ClinGen expert panel. While this variant may be causative, at this time, the clinical significance of this variant is uncertain due to the absence of conclusive functional and genetic evidence.

DeBelle Laboratory for Biochemical Genetics, MUHC/MCH RESEARCH INSTITUTE
No classification provided. Review status: no classification provided. Collection method: not provided. Allele origin: not provided. Not counted in ClinVar's aggregate classification.

Literature cited by the submitters: PubMed 32668217 (cited by Labcorp Genetics (formerly Invitae), Labcorp and Natera, Inc.); PubMed 17935162 (cited by Labcorp Genetics (formerly Invitae), Labcorp); PubMed 21953985 (cited by Labcorp Genetics (formerly Invitae), Labcorp); PubMed 24401910 (cited by Labcorp Genetics (formerly Invitae), Labcorp); PubMed 27264808 (cited by Labcorp Genetics (formerly Invitae), Labcorp).